The following is an entry in ClinVar:

NM_002860.4(ALDH18A1):c.1864C>G (p.Arg622Gly)

Gene: ALDH18A1 (aldehyde dehydrogenase 18 family member A1; minus strand). Cytogenetic location: 10q24.1.
Variant type: single nucleotide variant.
Coding change: c.1864C>G on transcript NM_002860.4 (MANE Select); coding-DNA position 1864, C replaced by G.
Protein change: p.Arg622Gly; replaces arginine 622 with glycine.
Molecular consequence: missense variant.
Genome position (GRCh38, 1-based): chr10:95,613,801, G>C on the plus strand (C>G on the coding strand, the complement: ALDH18A1 is on the minus strand). VCF-style: chr10-95613801-G-C. GRCh37 (hg19) VCF-style: chr10-97373558-G-C.
Other names: c.1858C>G, p.Arg620Gly (NM_001017423.2, NM_001323415.2); c.1531C>G, p.Arg511Gly (NM_001323412.2, NM_001323416.2); c.1864C>G, p.Arg622Gly (NM_001323413.2, NM_001323414.2); c.1759C>G, p.Arg587Gly (NM_001323417.2); c.1525C>G, p.Arg509Gly (NM_001323418.2); c.1228C>G, p.Arg410Gly (NM_001323419.2); short protein forms R410G, R511G, R622G, R587G, R509G, R620G.
Identifiers: ClinVar variation 2940371 (VCV002940371.3), dbSNP rs759267778, ClinGen allele CA377700326.
Genomic context (GRCh38, chr10:95,613,801, plus strand): 5'-CCTGTTCCACTCTCAGCATATCAATGATCTGGTCAAATAATGGTGTCCTGAGCAGATCCC[G>C]GTGGATTAACAAAGTCTCCAAAGCATTACAGGCAGCTGGATATTCACATTTAGAGTCTCT-3'
Protein context (NP_002851.2, residues 612-632): CNALETLLIH[Arg622Gly]DLLRTPLFDQ

ClinVar aggregate classification (germline): Uncertain significance (1 of 4 stars; one submission).

Conditions:
Cutis laxa, autosomal dominant 3 (ADCL3). Identifiers: Orphanet 90348, MedGen C4225268, MONDO:0014706, OMIM 616603.
Autosomal dominant spastic paraplegia type 9. Identifiers: MedGen C1832669, MONDO:0015091.
de Barsy syndrome. Also called: Cutis laxa-corneal clouding-oligophrenia syndrome. Identifiers: Orphanet 2962, MedGen C0268354, MONDO:0017569.

gnomAD v4.1: 2 of 1,614,022 alleles (0.00012%); highest among the groups gnomAD compares: African/African-American, 0.0013%; no homozygotes.

Submission:

Labcorp Genetics (formerly Invitae), Labcorp
Classification: Uncertain significance for Autosomal dominant spastic paraplegia type 9; de Barsy syndrome; Cutis laxa, autosomal dominant 3. Last evaluated: 2023-10-20. Review status: criteria provided, single submitter. Criteria: Invitae Variant Classification Sherloc (09022015). Collection method: clinical testing. Allele origin: germline.
Comment: This sequence change replaces arginine, which is basic and polar, with glycine, which is neutral and non-polar, at codon 622 of the ALDH18A1 protein (p.Arg622Gly). This variant is not present in population databases (gnomAD no frequency). This variant has not been reported in the literature in individuals affected with ALDH18A1-related conditions. Advanced modeling of protein sequence and biophysical properties (such as structural, functional, and spatial information, amino acid conservation, physicochemical variation, residue mobility, and thermodynamic stability) has been performed at Invitae for this missense variant, however the output from this modeling did not meet the statistical confidence thresholds required to predict the impact of this variant on ALDH18A1 protein function. In summary, the available evidence is currently insufficient to determine the role of this variant in disease. Therefore, it has been classified as a Variant of Uncertain Significance.